The following is an entry in ClinVar:

NM_004153.4(ORC1):c.2259A>T (p.Glu753Asp)

Gene: ORC1 (origin recognition complex subunit 1; minus strand). Cytogenetic location: 1p32.3.
Variant type: single nucleotide variant.
Coding change: c.2259A>T on transcript NM_004153.4 (MANE Select); coding-DNA position 2259, A replaced by T.
Protein change: p.Glu753Asp; replaces glutamic acid 753 with aspartic acid.
Molecular consequence: missense variant.
Genome position (GRCh38, 1-based): chr1:52,375,474, T>A on the plus strand (A>T on the coding strand, the complement: ORC1 is on the minus strand). VCF-style: chr1-52375474-T-A. GRCh37 (hg19) VCF-style: chr1-52841146-T-A.
Other names: c.2259A>T, p.Glu753Asp (NM_001190818.2); c.2244A>T, p.Glu748Asp (NM_001190819.2); short protein forms E748D, E753D.
Identifiers: ClinVar variation 2008156 (VCV002008156.4), dbSNP rs2524033436, ClinGen allele CA340345754.

ClinVar aggregate classification (germline): Uncertain significance (1 of 4 stars; one submission).

Submission:

Labcorp Genetics (formerly Invitae), Labcorp
Classification: Uncertain significance. Last evaluated: 2024-08-05. Review status: criteria provided, single submitter. Criteria: Invitae Variant Classification Sherloc (09022015). Collection method: clinical testing. Allele origin: germline.
Comment: This sequence change replaces glutamic acid, which is acidic and polar, with aspartic acid, which is acidic and polar, at codon 753 of the ORC1 protein (p.Glu753Asp). This variant is not present in population databases (gnomAD no frequency). This variant has not been reported in the literature in individuals affected with ORC1-related conditions. ClinVar contains an entry for this variant (Variation ID: 2008156). Advanced modeling of protein sequence and biophysical properties (such as structural, functional, and spatial information, amino acid conservation, physicochemical variation, residue mobility, and thermodynamic stability) has been performed at Invitae for this missense variant, however the output from this modeling did not meet the statistical confidence thresholds required to predict the impact of this variant on ORC1 protein function. In summary, the available evidence is currently insufficient to determine the role of this variant in disease. Therefore, it has been classified as a Variant of Uncertain Significance.